The following is an entry in ClinVar:

NM_001130823.3(DNMT1):c.2602G>A (p.Glu868Lys)

Gene: DNMT1 (DNA methyltransferase 1; minus strand). Cytogenetic location: 19p13.2.
Variant type: single nucleotide variant.
Coding change: c.2602G>A on transcript NM_001130823.3 (MANE Select); coding-DNA position 2602, G replaced by A.
Protein change: p.Glu868Lys; replaces glutamic acid 868 with lysine.
Molecular consequence: missense variant.
Genome position (GRCh38, 1-based): chr19:10,149,002, C>T on the plus strand (G>A on the coding strand, the complement: DNMT1 is on the minus strand). VCF-style: chr19-10149002-C-T. GRCh37 (hg19) VCF-style: chr19-10259678-C-T.
Other names: c.2602G>A (LRG_362t1); c.2554G>A, p.Glu852Lys (NM_001318730.2, NM_001379.4); c.2239G>A, p.Glu747Lys (NM_001318731.2); short protein forms E868K, E747K, E852K.
Identifiers: ClinVar variation 373154 (VCV000373154.1), dbSNP rs761717775, ClinGen allele CA9187997.

ClinVar aggregate classification (germline): Uncertain significance (1 of 4 stars; one submission).

Allele frequency attached by ClinVar (database versions not stated): gnomAD exomes below 0.00001; ExAC 0.00001; gnomAD 0.00001.
gnomAD v4.1: 8 of 1,613,988 alleles (0.0005%); highest among the groups gnomAD compares: South Asian, 0.0033%; no homozygotes.

Submission:

GeneDx
Classification: Uncertain significance. Last evaluated: 2016-11-11. Review status: criteria provided, single submitter. Criteria: GeneDx Variant Classification (06012015). Collection method: clinical testing. Allele origin: germline. Affected: yes.
Comment: A variant of uncertain significance has been identified in the DNMT1 gene. The E868K variant has not been published as a pathogenic variant, nor has it been reported as a benign variant to our knowledge. It was not observed in approximately 6,500 individuals of European and African American ancestry in the NHLBI Exome Sequencing Project, indicating it is not a common benign variant in these populations. The E868K variant is a non-conservative amino acid substitution, which is likely to impact secondary protein structure as these residues differ in polarity, charge, size, and/or other properties. This substitution occurs at a position where amino acids with similar properties to Glutamic acid are tolerated across species. However, missense variants in nearby residues have not been reported in the Human Gene Mutation Database in association with DNMT1-related disorders (Stenson et al., 2014). In silico analysis is inconsistent in its predictions as to whether or not the variant is damaging to the protein structure/function. Therefore, based on the currently available information, it is unclear whether this variant is a pathogenic variant or a rare benign variant.